The following is an entry in ClinVar:

NM_006158.5(NEFL):c.1044+39G>C

Gene: NEFL (neurofilament light chain; minus strand). Cytogenetic location: 8p21.2.
Variant type: single nucleotide variant.
Coding change: c.1044+39G>C on transcript NM_006158.5 (MANE Select); 39 bases into the intron after coding-DNA position 1044, G replaced by C.
Molecular consequence: intron variant.
Genome position (GRCh38, 1-based): chr8:24,955,433, C>G on the plus strand (G>C on the coding strand, the complement: NEFL is on the minus strand). VCF-style: chr8-24955433-C-G. GRCh37 (hg19) VCF-style: chr8-24812947-C-G.
Identifiers: ClinVar variation 676084 (VCV000676084.2), dbSNP rs6982740, ClinGen allele CA4681382.

ClinVar aggregate classification (germline): Benign. Review status: criteria provided, multiple submitters, no conflicts (2 of 4 stars). 2 submissions from 2 submitters: Benign (2). Last evaluated 2018-06-16.

Allele frequency attached by ClinVar (database versions not stated): gnomAD 0.06972 and 0.07439; ESP Exome Variant Server 0.07194; 1000 Genomes Project 0.07748; TOPMed 0.07807; 1000 Genomes Project 30x 0.08104.

Submissions (2):

GeneDx
Classification: Benign. Last evaluated: 2018-06-16. Review status: criteria provided, single submitter. Criteria: GeneDx Variant Classification (06012015). Collection method: clinical testing. Allele origin: germline. Affected: yes.
Comment: This variant is considered likely benign or benign based on one or more of the following criteria: it is a conservative change, it occurs at a poorly conserved position in the protein, it is predicted to be benign by multiple in silico algorithms, and/or has population frequency not consistent with disease.

Breakthrough Genomics
Classification: Benign. Review status: criteria provided, single submitter. Criteria: ACMG Guidelines, 2015. Collection method: not provided. Allele origin: germline. Inheritance: Autosomal recessive inheritance. Affected: yes.